The following is an entry in ClinVar:

NM_024408.4(NOTCH2):c.5360G>A (p.Arg1787Gln)

Gene: NOTCH2 (notch receptor 2; minus strand). Cytogenetic location: 1p12.
Variant type: single nucleotide variant.
Coding change: c.5360G>A on transcript NM_024408.4 (MANE Select); coding-DNA position 5360, G replaced by A.
Protein change: p.Arg1787Gln; replaces arginine 1787 with glutamine.
Molecular consequence: missense variant.
Genome position (GRCh38, 1-based): chr1:119,920,348, C>T on the plus strand (G>A on the coding strand, the complement: NOTCH2 is on the minus strand). VCF-style: chr1-119920348-C-T. GRCh37 (hg19) VCF-style: chr1-120462971-C-T.
Other names: short protein forms R1787Q.
Identifiers: ClinVar variation 4740678 (VCV004740678.1).

ClinVar aggregate classification (germline): Uncertain significance (1 of 4 stars; one submission).

Conditions:
Hajdu-Cheney syndrome (HJCYS). Also called: Acroosteolysis dominant type; ACROOSTEOLYSIS WITH OSTEOPOROSIS AND CHANGES IN SKULL AND MANDIBLE; SERPENTINE FIBULA-POLYCYSTIC KIDNEY SYNDROME. Identifiers: Orphanet 955, MedGen C0917715, MONDO:0007057, OMIM 102500.

gnomAD v4.1: 7 of 1,614,156 alleles (0.00043%); highest among the groups gnomAD compares: African/African-American, 0.0013%; no homozygotes.

Submission:

Labcorp Genetics (formerly Invitae), Labcorp
Classification: Uncertain significance for Hajdu-Cheney syndrome. Last evaluated: 2025-07-09. Review status: criteria provided, single submitter. Criteria: Invitae Variant Classification Sherloc (09022015). Collection method: clinical testing. Allele origin: germline.
Comment: This sequence change replaces arginine, which is basic and polar, with glutamine, which is neutral and polar, at codon 1787 of the NOTCH2 protein (p.Arg1787Gln). This variant is present in population databases (no rsID available, gnomAD 0.0009%). This variant has not been reported in the literature in individuals affected with NOTCH2-related conditions. Invitae Evidence Modeling of protein sequence and biophysical properties (such as structural, functional, and spatial information, amino acid conservation, physicochemical variation, residue mobility, and thermodynamic stability) indicates that this missense variant is not expected to disrupt NOTCH2 protein function with a negative predictive value of 80%. In summary, the available evidence is currently insufficient to determine the role of this variant in disease. Therefore, it has been classified as a Variant of Uncertain Significance.